The following is an entry in ClinVar:

NM_006648.4(WNK2):c.1988C>T (p.Pro663Leu)

Gene: WNK2 (WNK lysine deficient protein kinase 2; plus strand). Cytogenetic location: 9q22.31.
Variant type: single nucleotide variant.
Coding change: c.1988C>T on transcript NM_006648.4 (MANE Select); coding-DNA position 1988, C replaced by T.
Protein change: p.Pro663Leu; replaces proline 663 with leucine.
Molecular consequence: missense variant.
Genome position (GRCh38, 1-based): chr9:93,253,036, C>T. VCF-style: chr9-93253036-C-T. GRCh37 (hg19) VCF-style: chr9-96015318-C-T.
Other names: c.1988C>T, p.Pro663Leu (NM_001282394.3); short protein forms P663L.
Identifiers: ClinVar variation 3470638 (VCV003470638.1).
Genomic context (GRCh38, chr9:93,253,036, plus strand): 5'-CAGCGCCGTCCCCGGCCCAGTGTGTGTGCAGCCCCCCTGTGAGCGAGGGGCCCGTCCTGC[C>T]GCAGAGCCTGCCCTCGCTGGGGGCCTACCAGCAGCCCACGGCTGCAGTGAGTCAGAGCAT-3'
Protein context (NP_006639.3, residues 653-673): SPPVSEGPVL[Pro663Leu]QSLPSLGAYQ

ClinVar aggregate classification (germline): Uncertain significance (1 of 4 stars; one submission).

gnomAD v4.1: 13 of 1,538,034 alleles (0.00085%); highest among the groups gnomAD compares: Middle Eastern, 0.017%; no homozygotes.

Submission:

Ambry Genetics
Classification: Uncertain significance. Last evaluated: 2024-12-07. Review status: criteria provided, single submitter. Criteria: Ambry Variant Classification Scheme 2023. Collection method: clinical testing. Allele origin: germline.
Comment: The p.P663L variant (also known as c.1988C>T), located in coding exon 8 of the WNK2 gene, results from a C to T substitution at nucleotide position 1988. The proline at codon 663 is replaced by leucine, an amino acid with similar properties. This amino acid position is conserved. In addition, this alteration is predicted to be tolerated by in silico analysis. Based on the available evidence, the clinical significance of this variant remains unclear.